The following is an entry in ClinVar:

ClinVar aggregate classification (germline): Benign. Review status: criteria provided, multiple submitters, no conflicts (2 of 4 stars). 2 submissions from 2 submitters: Benign (2). Last evaluated 2018-06-01.

Conditions:
Danon disease. Also called: GSD IIb; LYSOSOMAL GLYCOGEN STORAGE DISEASE WITHOUT ACID MALTASE DEFICIENCY; Glycogen Storage Disease Type IIb; PSEUDOGLYCOGENOSIS II; ANTOPOL DISEASE. Identifiers: Orphanet 34587, MedGen C0878677, MONDO:0010281, OMIM 300257.

Allele frequency attached by ClinVar (database versions not stated): 1000 Genomes Project 30x 0.00853; 1000 Genomes Project 0.00901; gnomAD 0.01287 and 0.01308; TOPMed 0.01314; gnomAD exomes 0.02168.
gnomAD v4.1: 15,213 of 750,136 alleles (2%); highest among the groups gnomAD compares: Non-Finnish European, 2.3%; 126 homozygotes.

Submissions (2):

Blueprint Genetics
Classification: Benign. Last evaluated: 2018-06-01. Review status: criteria provided, single submitter. Criteria: ACMG Guidelines, 2015. Collection method: clinical testing. Allele origin: germline.

Illumina Laboratory Services, Illumina
Classification: Benign for Danon disease. Last evaluated: 2018-01-13. Review status: criteria provided, single submitter. Criteria: ICSL Variant Classification Criteria 13 December 2019. Collection method: clinical testing. Allele origin: germline.
Comment: This variant was observed in the ICSL laboratory as part of a predisposition screen in an ostensibly healthy population. It had not been previously curated by ICSL or reported in the Human Gene Mutation Database (HGMD: prior to June 1st, 2018), and was therefore a candidate for classification through an automated scoring system. Utilizing variant allele frequency, disease prevalence and penetrance estimates, and inheritance mode, an automated score was calculated to assess if this variant is too frequent to cause the disease. Based on the score and internal cut-off values, a variant classified as benign is not then subjected to further curation. The score for this variant resulted in a classification of benign for this disease.

NM_002294.3(LAMP2):c.*2518A>G

Gene: LAMP2 (lysosome associated membrane protein 2; minus strand). Cytogenetic location: Xq24.
Variant type: single nucleotide variant.
Coding change: c.*2518A>G on transcript NM_002294.3 (MANE Select); 2518 bases downstream of the stop codon, A replaced by G.
Molecular consequence: 3 prime UTR variant. On other transcripts: intron variant (1).
Genome position (GRCh38, 1-based): chrX:120,428,805, T>C on the plus strand (A>G on the coding strand, the complement: LAMP2 is on the minus strand). VCF-style: chrX-120428805-T-C. GRCh37 (hg19) VCF-style: chrX-119562660-T-C.
Other names: c.1094-179A>G (NM_001122606.1).
Identifiers: ClinVar variation 913720 (VCV000913720.5), dbSNP rs56158197, ClinGen allele CA335012173.